The following is an entry in ClinVar:

NM_021224.6(ZNF462):c.6339C>T (p.Pro2113=)

Gene: ZNF462 (zinc finger protein 462; plus strand). Cytogenetic location: 9q31.2.
Variant type: single nucleotide variant.
Coding change: c.6339C>T on transcript NM_021224.6 (MANE Select); coding-DNA position 6339, C replaced by T.
Protein change: p.Pro2113=; no amino-acid change (proline 2113 retained).
Molecular consequence: synonymous variant.
Genome position (GRCh38, 1-based): chr9:106,939,019, C>T. VCF-style: chr9-106939019-C-T. GRCh37 (hg19) VCF-style: chr9-109701300-C-T.
Other names: c.3744C>T, p.Pro1248= (NM_001347997.2).
Identifiers: ClinVar variation 2499102 (VCV002499102.29), dbSNP rs375804965, ClinGen allele CA5172215.

ClinVar aggregate classification (germline): Likely benign. Review status: criteria provided, multiple submitters, no conflicts (2 of 4 stars). 2 submissions from 2 submitters: Likely benign (2). Last evaluated 2024-02-01.

Allele frequency attached by ClinVar (database versions not stated): ExAC 0.00002; gnomAD 0.00003; gnomAD exomes 0.00005; TOPMed 0.00006; ESP Exome Variant Server 0.00008.
gnomAD v4.1: 76 of 1,613,942 alleles (0.0047%); highest among the groups gnomAD compares: Non-Finnish European, 0.0058%; no homozygotes.

Submissions (2):

Blueprint Genetics
Classification: Likely benign. Last evaluated: 2024-02-01. Review status: criteria provided, single submitter. Criteria: ACMG Guidelines, 2015. Collection method: clinical testing. Allele origin: germline.

CeGaT Center for Human Genetics Tuebingen
Classification: Likely benign. Last evaluated: 2023-01-01. Review status: criteria provided, single submitter. Criteria: CeGaT Center For Human Genetics Tuebingen Variant Classification Criteria Version 2. Collection method: clinical testing. Allele origin: germline. Affected: yes. Observed: 1 variant allele.
Comment: ZNF462: BP4, BP7